The following is an entry in ClinVar:

ClinVar aggregate classification (germline): Likely pathogenic (1 of 4 stars; one submission).

Submission:

Labcorp Genetics (formerly Invitae), Labcorp
Classification: Likely pathogenic. Last evaluated: 2023-12-21. Review status: criteria provided, single submitter. Criteria: Invitae Variant Classification Sherloc (09022015). Collection method: clinical testing. Allele origin: germline.
Comment: This sequence change affects a splice site in intron 9 of the ATIC gene. It is expected to disrupt RNA splicing. Variants that disrupt the donor or acceptor splice site typically lead to a loss of protein function (PMID: 16199547), and loss-of-function variants in ATIC are known to be pathogenic (PMID: 32557644, 35637059, 36367252). This variant is not present in population databases (gnomAD no frequency). This variant has not been reported in the literature in individuals affected with ATIC-related conditions. ClinVar contains an entry for this variant (Variation ID: 2132862). Algorithms developed to predict the effect of sequence changes on RNA splicing suggest that this variant may disrupt the consensus splice site. In summary, the currently available evidence indicates that the variant is pathogenic, but additional data are needed to prove that conclusively. Therefore, this variant has been classified as Likely Pathogenic.

Literature cited by the submitters: PubMed 16199547; PubMed 32557644; PubMed 35637059; PubMed 36367252.

NM_004044.7(ATIC):c.923-2del

Gene: ATIC (5-aminoimidazole-4-carboxamide ribonucleotide formyltransferase/IMP cyclohydrolase; plus strand). Cytogenetic location: 2q35.
Variant type: Deletion.
Coding change: c.923-2del on transcript NM_004044.7 (MANE Select); the canonical splice acceptor site of the intron before coding-DNA position 923, one base deleted (A; older notation c.923-2delA).
Molecular consequence: splice acceptor variant.
Genome position (GRCh38, 1-based): chr2:215,334,917, A deleted. VCF-style (leftmost placement, unchanged base first): chr2-215334916-CA-C. GRCh37 (hg19) VCF-style: chr2-216199639-CA-C.
Identifiers: ClinVar variation 2132862 (VCV002132862.4), dbSNP rs2469011733, ClinGen allele CA2580065678.